The following is an entry in ClinVar:

ClinVar aggregate classification (germline): Pathogenic/Likely pathogenic. Review status: criteria provided, multiple submitters, no conflicts (2 of 4 stars). 2 submissions from 2 submitters: Pathogenic (1); Likely pathogenic (1). Last evaluated 2025-02-12.

Conditions:
Pyruvate dehydrogenase E1-alpha deficiency (PDHAD). Also called: ATAXIA, INTERMITTENT, WITH ABNORMAL PYRUVATE METABOLISM; Ataxia, intermittent, with pyruvate dehydrogenase, or decarboxylase, deficiency; ATAXIA, INTERMITTENT, WITH PYRUVATE DEHYDROGENASE DEFICIENCY; ATAXIA WITH LACTIC ACIDOSIS I. Identifiers: Orphanet 79243, MedGen C1839413, MONDO:0010717, OMIM 312170.

Submissions (2):

3billion
Classification: Likely pathogenic for Pyruvate dehydrogenase E1-alpha deficiency. Last evaluated: 2025-02-12. Review status: criteria provided, single submitter. Criteria: ACMG Guidelines, 2015. Collection method: clinical testing. Allele origin: germline. Affected: yes.
Comment: The variant is not observed in the gnomAD v4.1.0 dataset. Predicted Consequence/Location: Canonical splice site: predicted to alter splicing and result in a loss or disruption of normal protein function. The predicted truncated protein may be shortened by less than 10%. In silico tools predict the variant to alter splicing and produce an abnormal transcript [SpliceAI: 1.00 (spliceogenicity >=0.2, non-spliceogenicity <0.1)]. The variant has been previously reported as de novo in a similarly affected individual (PMID: 36943625). The variant has been reported to be associated with PDHA1-related disorder (ClinVar ID: VCV001679534 /PMID: 36943625 /3billion dataset). Therefore, this variant is classified as Likely pathogenic according to the recommendation of ACMG/AMP guideline.

Laboratory of Human Genetics, Universidade de São Paulo
Classification: Pathogenic for Pyruvate dehydrogenase E1-alpha deficiency. Last evaluated: 2022-03-16. Review status: criteria provided, single submitter. Criteria: ACMG Guidelines, 2015. Collection method: research. Allele origin: de novo. Inheritance: X-linked dominant inheritance. Affected: yes. Observed: 1 heterozygote.

Literature cited by the submitters: PubMed 36943625 (cited by 3billion).

NM_000284.4(PDHA1):c.1009-16_1010del

Gene: PDHA1 (pyruvate dehydrogenase E1 subunit alpha 1; plus strand). Cytogenetic location: Xp22.12.
Variant type: Deletion.
Coding change: c.1009-16_1010del on transcript NM_000284.4 (MANE Select); 16 bases into the intron before coding-DNA position 1009 through coding-DNA position 1010, 18 bases deleted (GTTACCTAATTTTTAGGA).
Molecular consequence: splice acceptor variant.
Genome position (GRCh38, 1-based): chrX:19,359,473-19,359,490, GTTACCTAATTTTTAGGA deleted. VCF-style (leftmost placement, unchanged base first): chrX-19359472-TGTTACCTAATTTTTAGGA-T. GRCh37 (hg19) VCF-style: chrX-19377590-TGTTACCTAATTTTTAGGA-T.
Other names: c.1123-16_1124del (NM_001173454.2); c.1030-16_1031del (NM_001173455.2); c.916-16_917del (NM_001173456.2).
Identifiers: ClinVar variation 1679534 (VCV001679534.3), dbSNP rs2147188973, ClinGen allele CA2573158425.
Genomic context (GRCh38, chrX:19,359,472, plus strand): 5'-GGTCCTCAGCAGAACTCTAGTTGGTACCTAAGCTGCTGTTCATTCTAAAACCTTTTACAC[TGTTACCTAATTTTTAGGA>T]AATTGATGTGGAAGTGAGGAAGGAGATTGAGGATGCTGCCCAGTTTGCCACGGCCGATCC-3'